The following is an entry in ClinVar:

ClinVar aggregate classification (germline): Uncertain significance (1 of 4 stars; one submission).

Conditions:
Autosomal recessive ataxia, Beauce type. Also called: SYNE1-Related Autosomal Recessive Cerebellar Ataxia; SYNE1 Deficiency; Spinocerebellar ataxia, autosomal recessive 8; ATAXIA, RECESSIVE, OF BEAUCE. Identifiers: Orphanet 88644, MedGen C1853116, MONDO:0012549, OMIM 610743.
Emery-Dreifuss muscular dystrophy 4, autosomal dominant (EDMD4). Also called: EMERY-DREIFUSS MUSCULAR DYSTROPHY 4 WITH VARIABLE FEATURES. Identifiers: Orphanet 261, MedGen C2751807, MONDO:0013071, OMIM 612998.

Allele frequency attached by ClinVar (database versions not stated): ExAC 0.00001; gnomAD 0.00001; gnomAD exomes 0.00001.
gnomAD v4.1: 5 of 1,614,086 alleles (0.00031%); highest among the groups gnomAD compares: Admixed American, 0.0083%; no homozygotes.

Submission:

Labcorp Genetics (formerly Invitae), Labcorp
Classification: Uncertain significance for Emery-Dreifuss muscular dystrophy 4, autosomal dominant; Autosomal recessive ataxia, Beauce type. Last evaluated: 2022-08-16. Review status: criteria provided, single submitter. Criteria: Invitae Variant Classification Sherloc (09022015). Collection method: clinical testing. Allele origin: germline.
Comment: In summary, the available evidence is currently insufficient to determine the role of this variant in disease. Therefore, it has been classified as a Variant of Uncertain Significance. Algorithms developed to predict the effect of missense changes on protein structure and function are either unavailable or do not agree on the potential impact of this missense change (SIFT: "Deleterious"; PolyPhen-2: "Probably Damaging"; Align-GVGD: "Class C0"). ClinVar contains an entry for this variant (Variation ID: 1352972). This variant has not been reported in the literature in individuals affected with SYNE1-related conditions. This variant is present in population databases (rs768676733, gnomAD 0.01%). This sequence change replaces threonine, which is neutral and polar, with asparagine, which is neutral and polar, at codon 5115 of the SYNE1 protein (p.Thr5115Asn).

NM_182961.4(SYNE1):c.15557C>A (p.Thr5186Asn)

Gene: SYNE1 (spectrin repeat containing nuclear envelope protein 1; minus strand). Cytogenetic location: 6q25.2.
Variant type: single nucleotide variant.
Coding change: c.15557C>A on transcript NM_182961.4 (MANE Select); coding-DNA position 15557, C replaced by A.
Protein change: p.Thr5186Asn; replaces threonine 5186 with asparagine.
Molecular consequence: missense variant.
Genome position (GRCh38, 1-based): chr6:152,325,184, G>T on the plus strand (C>A on the coding strand, the complement: SYNE1 is on the minus strand). VCF-style: chr6-152325184-G-T. GRCh37 (hg19) VCF-style: chr6-152646319-G-T.
Other names: c.15344C>A, p.Thr5115Asn (NM_033071.5); short protein forms T5115N, T5186N.
Identifiers: ClinVar variation 1352972 (VCV001352972.8), dbSNP rs768676733, ClinGen allele CA4055752.